The following is an entry in ClinVar:

NM_001005498.4(RHBDF2):c.1730G>A (p.Gly577Asp)

Gene: RHBDF2 (rhomboid 5 homolog 2; minus strand). Cytogenetic location: 17q25.1.
Variant type: single nucleotide variant.
Coding change: c.1730G>A on transcript NM_001005498.4 (MANE Select); coding-DNA position 1730, G replaced by A.
Protein change: p.Gly577Asp; replaces glycine 577 with aspartic acid.
Molecular consequence: missense variant. On other transcripts: non-coding transcript variant (3).
Genome position (GRCh38, 1-based): chr17:76,473,651, C>T on the plus strand (G>A on the coding strand, the complement: RHBDF2 is on the minus strand). VCF-style: chr17-76473651-C-T. GRCh37 (hg19) VCF-style: chr17-74469733-C-T.
Other names: c.1730G>A, p.Gly577Asp (NM_001376228.1, NM_001376229.1, NM_001376230.1); c.1817G>A, p.Gly606Asp (NM_024599.5); short protein forms G606D, G577D.
Identifiers: ClinVar variation 2971233 (VCV002971233.5), dbSNP rs2073664572, ClinGen allele CA401166356.

ClinVar aggregate classification (germline): Uncertain significance. Review status: criteria provided, multiple submitters, no conflicts (2 of 4 stars). 3 submissions from 3 submitters: Uncertain significance (3). Last evaluated 2026-09-02.

Conditions:
Inborn genetic diseases. Identifiers: MedGen C0950123, MeSH D030342.
Palmoplantar keratoderma-esophageal carcinoma syndrome (TOC). Also called: PALMOPLANTAR KERATODERMA WITH ESOPHAGEAL CANCER; KERATOSIS PALMARIS ET PLANTARIS WITH ESOPHAGEAL CANCER; Tylosis with Esophageal Cancer. Identifiers: Orphanet 2198, MedGen C1835664, MONDO:0007856, OMIM 148500.

Allele frequency attached by ClinVar (database versions not stated): gnomAD exomes below 0.00001.
gnomAD v4.1: 3 of 1,606,172 alleles (0.00019%); highest among the groups gnomAD compares: Non-Finnish European, 0.00017%; no homozygotes.

Submissions (3):

Ambry Genetics
Classification: Uncertain significance for Inborn genetic diseases. Last evaluated: 2026-09-02. Review status: criteria provided, single submitter. Criteria: Ambry Variant Classification Scheme 2023. Collection method: clinical testing. Allele origin: germline.

Baylor Genetics
Classification: Uncertain significance for Palmoplantar keratoderma-esophageal carcinoma syndrome. Last evaluated: 2024-03-04. Review status: criteria provided, single submitter. Criteria: ACMG Guidelines, 2015. Collection method: clinical testing. Allele origin: unknown.

Labcorp Genetics (formerly Invitae), Labcorp
Classification: Uncertain significance. Last evaluated: 2023-02-22. Review status: criteria provided, single submitter. Criteria: Invitae Variant Classification Sherloc (09022015). Collection method: clinical testing. Allele origin: germline.
Comment: This variant has not been reported in the literature in individuals affected with RHBDF2-related conditions. In summary, the available evidence is currently insufficient to determine the role of this variant in disease. Therefore, it has been classified as a Variant of Uncertain Significance. An algorithm developed to predict the effect of missense changes on protein structure and function (PolyPhen-2) suggests that this variant is likely to be disruptive. This variant is not present in population databases (gnomAD no frequency). This sequence change replaces glycine, which is neutral and non-polar, with aspartic acid, which is acidic and polar, at codon 606 of the RHBDF2 protein (p.Gly606Asp).